The following is an entry in ClinVar:

NM_138694.4(PKHD1):c.5989C>T (p.Arg1997Trp)

Gene: PKHD1 (PKHD1 ciliary IPT domain containing fibrocystin/polyductin; minus strand). Cytogenetic location: 6p12.2.
Variant type: single nucleotide variant.
Coding change: c.5989C>T on transcript NM_138694.4 (MANE Select); coding-DNA position 5989, C replaced by T.
Protein change: p.Arg1997Trp; replaces arginine 1997 with tryptophan.
Molecular consequence: missense variant.
Genome position (GRCh38, 1-based): chr6:51,934,242, G>A on the plus strand (C>T on the coding strand, the complement: PKHD1 is on the minus strand). VCF-style: chr6-51934242-G-A. GRCh37 (hg19) VCF-style: chr6-51799040-G-A.
Other names: c.5989C>T, p.Arg1997Trp (NM_170724.3); short protein forms R1997W.
Identifiers: ClinVar variation 2150952 (VCV002150952.1), dbSNP rs369801937, ClinGen allele CA364417842.

ClinVar aggregate classification (germline): Uncertain significance (1 of 4 stars; one submission).

Conditions:
Autosomal recessive polycystic kidney disease (ARPKD). Also called: AR polycystic kidney disease. Identifiers: Orphanet 731, Orphanet 8378, MedGen C0085548, MeSH D017044, MONDO:0009889.

gnomAD v4.1: 7 of 1,613,708 alleles (0.00043%); highest among the groups gnomAD compares: East Asian, 0.0067%; no homozygotes.

Submission:

Labcorp Genetics (formerly Invitae), Labcorp
Classification: Uncertain significance for Autosomal recessive polycystic kidney disease. Last evaluated: 2022-04-01. Review status: criteria provided, single submitter. Criteria: Invitae Variant Classification Sherloc (09022015). Collection method: clinical testing. Allele origin: germline.
Comment: This sequence change replaces arginine, which is basic and polar, with tryptophan, which is neutral and slightly polar, at codon 1997 of the PKHD1 protein (p.Arg1997Trp). This variant is not present in population databases (gnomAD no frequency). This variant has not been reported in the literature in individuals affected with PKHD1-related conditions. Advanced modeling of protein sequence and biophysical properties (such as structural, functional, and spatial information, amino acid conservation, physicochemical variation, residue mobility, and thermodynamic stability) performed at Invitae indicates that this missense variant is not expected to disrupt PKHD1 protein function. In summary, the available evidence is currently insufficient to determine the role of this variant in disease. Therefore, it has been classified as a Variant of Uncertain Significance.